The following is an entry in ClinVar:

ClinVar aggregate classification (germline): Uncertain significance. Review status: criteria provided, multiple submitters, no conflicts (2 of 4 stars). 2 submissions from 2 submitters: Uncertain significance (2). Last evaluated 2016-02-17.

Conditions:
Progressive familial heart block type IB (PFHB1B). Identifiers: Orphanet 871, MedGen C1970298, MONDO:0011474, OMIM 604559.

Allele frequency attached by ClinVar (database versions not stated): gnomAD exomes 0.00001 and below 0.00001; TOPMed 0.00001; gnomAD 0.00001.

Submissions (2):

Stanford Center for Inherited Cardiovascular Disease, Stanford University
Classification: Uncertain significance. Last evaluated: 2016-02-17. Review status: criteria provided, single submitter. Criteria: ACMG Guidelines, 2015. Collection method: provider interpretation. Allele origin: germline.

Labcorp Genetics (formerly Invitae), Labcorp
Classification: Uncertain significance for Progressive familial heart block type IB. Last evaluated: 2015-11-25. Review status: criteria provided, single submitter. Criteria: Invitae Variant Classification Sherloc (09022015). Collection method: clinical testing. Allele origin: germline.
Comment: In summary, this is a novel missense change with uncertain impact on protein function. It has been classified as a Variant of Uncertain Significance. Algorithms developed to predict the effect of missense changes on protein structure and function do not agree on the potential impact of this missense change (SIFT: "Deleterious"; PolyPhen-2: "Probably Damaging"; Align-GVGD: "Class C0"). This variant is not present in population databases (ExAC no frequency) and has not been reported in the literature. This sequence change replaces cysteine with serine at codon 20 of the TRPM4 protein (p.Cys20Ser). The cysteine residue is highly conserved and there is a moderate physicochemical difference between cysteine and serine.

NM_017636.4(TRPM4):c.58T>A (p.Cys20Ser)

Gene: TRPM4 (transient receptor potential cation channel subfamily M member 4; plus strand). Cytogenetic location: 19q13.33.
Variant type: single nucleotide variant.
Coding change: c.58T>A on transcript NM_017636.4 (MANE Select); coding-DNA position 58, T replaced by A.
Protein change: p.Cys20Ser; replaces cysteine 20 with serine.
Molecular consequence: missense variant. On other transcripts: 5 prime UTR variant (3).
Genome position (GRCh38, 1-based): chr19:49,158,225, T>A. VCF-style: chr19-49158225-T-A. GRCh37 (hg19) VCF-style: chr19-49661482-T-A.
Other names: c.58T>A, p.Cys20Ser (NM_001195227.2, NM_001321281.2); c.-1315T>A (NM_001321282.2); c.-109T>A (NM_001321283.2); c.-272T>A (NM_001321285.2); short protein forms C20S.
Identifiers: ClinVar variation 220734 (VCV000220734.11), dbSNP rs864622643, ClinGen allele CA349108.